The following is an entry in ClinVar:

NM_020066.5(FMN2):c.2754G>A (p.Ala918=)

Gene: FMN2 (formin 2; plus strand). Cytogenetic location: 1q43.
Variant type: single nucleotide variant.
Coding change: c.2754G>A on transcript NM_020066.5 (MANE Select); coding-DNA position 2754, G replaced by A.
Protein change: p.Ala918=; no amino-acid change (alanine 918 retained).
Molecular consequence: synonymous variant. On other transcripts: intron variant (1).
Genome position (GRCh38, 1-based): chr1:240,207,566, G>A. VCF-style: chr1-240207566-G-A. GRCh37 (hg19) VCF-style: chr1-240370866-G-A.
Other names: c.2766G>A, p.Ala922= (NM_001305424.2); c.1986+19304G>A (NM_001348094.2).
Identifiers: ClinVar variation 4533756 (VCV004533756.6).

ClinVar aggregate classification (germline): Likely benign (1 of 4 stars; one submission).

Submission:

CeGaT Center for Human Genetics Tuebingen
Classification: Likely benign. Last evaluated: 2025-12-01. Review status: criteria provided, single submitter. Criteria: CeGaT Center For Human Genetics Tuebingen Variant Classification Criteria Version 2. Collection method: clinical testing. Allele origin: germline. Affected: yes. Observed: 2 variant alleles.
Comment: FMN2: BP4, BP7